The following is an entry in ClinVar:

ClinVar aggregate classification (germline): Uncertain significance. Review status: criteria provided, multiple submitters, no conflicts (2 of 4 stars). 2 submissions from 2 submitters: Uncertain significance (2). Last evaluated 2026-08-19.

Conditions:
Hereditary cancer-predisposing syndrome. Also called: Neoplastic Syndromes, Hereditary; Hereditary Cancer Syndrome; Hereditary neoplastic syndrome; Tumor predisposition. Identifiers: Orphanet 140162, MedGen C0027672, MeSH D009386, MONDO:0015356.
Retinoblastoma (RB1). Also called: RETINOBLASTOMA, SOMATIC. Identifiers: Orphanet 790, MedGen C0035335, MeSH D012175, MONDO:0008380, OMIM 180200, HP:0009919. Disease mechanism: loss of function. Inheritance: Both sporadic and heritable forms are tested..

Submissions (2):

Ambry Genetics
Classification: Uncertain significance for Hereditary cancer-predisposing syndrome. Last evaluated: 2026-08-19. Review status: criteria provided, single submitter. Criteria: Ambry Variant Classification Scheme 2023. Collection method: clinical testing. Allele origin: germline.
Comment: The p.F131S variant (also known as c.392T>C), located in coding exon 4 of the RB1 gene, results from a T to C substitution at nucleotide position 392. The phenylalanine at codon 131 is replaced by serine, an amino acid with highly dissimilar properties. This amino acid position is highly conserved in available vertebrate species. In addition, this alteration is predicted to be deleterious by in silico analysis. Based on the available evidence, the clinical significance of this variant remains unclear.

Labcorp Genetics (formerly Invitae), Labcorp
Classification: Uncertain significance for Retinoblastoma. Last evaluated: 2025-01-23. Review status: criteria provided, single submitter. Criteria: Invitae Variant Classification Sherloc (09022015). Collection method: clinical testing. Allele origin: germline.
Comment: This sequence change replaces phenylalanine, which is neutral and non-polar, with serine, which is neutral and polar, at codon 131 of the RB1 protein (p.Phe131Ser). This variant is not present in population databases (gnomAD no frequency). This variant has not been reported in the literature in individuals affected with RB1-related conditions. ClinVar contains an entry for this variant (Variation ID: 646694). Invitae Evidence Modeling of protein sequence and biophysical properties (such as structural, functional, and spatial information, amino acid conservation, physicochemical variation, residue mobility, and thermodynamic stability) indicates that this missense variant is expected to disrupt RB1 protein function with a positive predictive value of 80%. In summary, the available evidence is currently insufficient to determine the role of this variant in disease. Therefore, it has been classified as a Variant of Uncertain Significance.

NM_000321.3(RB1):c.392T>C (p.Phe131Ser)

Gene: RB1 (RB transcriptional corepressor 1; plus strand). Cytogenetic location: 13q14.2.
Variant type: single nucleotide variant.
Coding change: c.392T>C on transcript NM_000321.3 (MANE Select); coding-DNA position 392, T replaced by C.
Protein change: p.Phe131Ser; replaces phenylalanine 131 with serine.
Molecular consequence: missense variant.
Genome position (GRCh38, 1-based): chr13:48,345,091, T>C. VCF-style: chr13-48345091-T-C. GRCh37 (hg19) VCF-style: chr13-48919227-T-C.
Other names: short protein forms F131S.
Identifiers: ClinVar variation 646694 (VCV000646694.13), dbSNP rs1593435687, ClinGen allele CA388252617.